The following is an entry in ClinVar:

NM_000368.5(TSC1):c.617A>G (p.His206Arg)

Gene: TSC1 (TSC complex subunit 1; minus strand). Cytogenetic location: 9q34.13.
Variant type: single nucleotide variant.
Coding change: c.617A>G on transcript NM_000368.5 (MANE Select); coding-DNA position 617, A replaced by G.
Protein change: p.His206Arg; replaces histidine 206 with arginine.
Molecular consequence: missense variant.
Genome position (GRCh38, 1-based): chr9:132,921,865, T>C on the plus strand (A>G on the coding strand, the complement: TSC1 is on the minus strand). VCF-style: chr9-132921865-T-C. GRCh37 (hg19) VCF-style: chr9-135797252-T-C.
Other names: c.617A>G, p.His206Arg (NM_001162426.2); c.464A>G, p.His155Arg (NM_001162427.2); c.254A>G, p.His85Arg (NM_001362177.2); short protein forms H155R, H85R, H206R.
Identifiers: ClinVar variation 959205 (VCV000959205.10), dbSNP rs1846579352, ClinGen allele CA375372440.
Genomic context (GRCh38, chr9:132,921,865, plus strand): 5'-CAGTTTCAATTTACCTTGACCACTTCTTCAAAAGTCTCCAGGTTTTCTTTCATACTGTAA[T>C]GAGAACGCAAAAAGGAGACGAAGTTGCAAGGGTACATTCCATAAAGGCGATGAAAGAGTG-3'
Protein context (NP_000359.1, residues 196-216): PCNFVSFLRS[His206Arg]YSMKENLETF

ClinVar aggregate classification (germline): Uncertain significance. Review status: criteria provided, multiple submitters, no conflicts (2 of 4 stars). 2 submissions from 2 submitters: Uncertain significance (2). Last evaluated 2025-10-31.

Conditions:
Hereditary cancer-predisposing syndrome. Also called: Hereditary neoplastic syndrome; Tumor predisposition; Neoplastic Syndromes, Hereditary; Hereditary Cancer Syndrome. Identifiers: Orphanet 140162, MedGen C0027672, MeSH D009386, MONDO:0015356.
Tuberous sclerosis 1 (TSC1). Identifiers: Orphanet 805, MedGen C1854465, MONDO:0008612, OMIM 191100.

Submissions (2):

Ambry Genetics
Classification: Uncertain significance for Hereditary cancer-predisposing syndrome. Last evaluated: 2025-10-31. Review status: criteria provided, single submitter. Criteria: Ambry Variant Classification Scheme 2023. Collection method: clinical testing. Allele origin: germline.
Comment: The p.H206R variant (also known as c.617A>G), located in coding exon 5 of the TSC1 gene, results from an A to G substitution at nucleotide position 617. The histidine at codon 206 is replaced by arginine, an amino acid with highly similar properties. This amino acid position is highly conserved in available vertebrate species. In addition, this alteration is predicted to be deleterious by in silico analysis. Based on the available evidence, the clinical significance of this variant remains unclear.

Labcorp Genetics (formerly Invitae), Labcorp
Classification: Uncertain significance for Tuberous sclerosis 1. Last evaluated: 2020-07-12. Review status: criteria provided, single submitter. Criteria: Invitae Variant Classification Sherloc (09022015). Collection method: clinical testing. Allele origin: germline.
Comment: In summary, the available evidence is currently insufficient to determine the role of this variant in disease. Therefore, it has been classified as a Variant of Uncertain Significance. Algorithms developed to predict the effect of missense changes on protein structure and function are either unavailable or do not agree on the potential impact of this missense change (SIFT: "Tolerated"; PolyPhen-2: "Possibly Damaging"; Align-GVGD: "Class C0"). This variant has not been reported in the literature in individuals with TSC1-related conditions. This variant is not present in population databases (ExAC no frequency). This sequence change replaces histidine with arginine at codon 206 of the TSC1 protein (p.His206Arg). The histidine residue is highly conserved and there is a small physicochemical difference between histidine and arginine.